The following is an entry in ClinVar:

ClinVar aggregate classification (germline): Uncertain significance (1 of 4 stars; one submission).

Conditions:
Caused by mutation in the TBC1 domain family, member 24.
Developmental and epileptic encephalopathy, 1 (DEE1). Also called: INFANTILE SPASM SYNDROME, X-LINKED 1; X-linked infantile spasms; West's syndrome; Tonic spasms with clustering, arrest of psychomotor development and hypsarrhythmia on EEG; X-Linked Infantile Spasm Syndrome; OHTAHARA SYNDROME, X-LINKED. Identifiers: MedGen C3463992, MONDO:0010632, OMIM 308350. Disease mechanism: loss of function.
Autosomal dominant nonsyndromic hearing loss 65. Also called: Deafness, autosomal dominant 65; TBC1D24-Related Autosomal Dominant Nonsyndromic Hearing Loss (DFNA). Identifiers: Orphanet 90635, MedGen C3892048, MONDO:0014470, OMIM 616044.

Submission:

Labcorp Genetics (formerly Invitae), Labcorp
Classification: Uncertain significance for Developmental and epileptic encephalopathy, 1; Autosomal dominant nonsyndromic hearing loss 65. Last evaluated: 2024-01-02. Review status: criteria provided, single submitter. Criteria: Invitae Variant Classification Sherloc (09022015). Collection method: clinical testing. Allele origin: unknown.
Comment: A copy number gain of the genomic region encompassing the full coding sequence of the TBC1D24 gene has been identified. The boundaries of this event are unknown as they extend beyond the assayed region for this gene and therefore may encompass additional genes. As the precise location of this event is unknown, it may be in tandem or it may be located elsewhere in the genome. A similar copy number variant has been observed in individual(s) with epilepsy and intellectual disability (PMID: 30866059). Experimental studies and prediction algorithms are not available or were not evaluated, and the functional significance of this variant is currently unknown. In summary, the available evidence is currently insufficient to determine the role of this variant in disease. Therefore, it has been classified as a Variant of Uncertain Significance.

Literature cited by the submitters: PubMed 30866059.

NC_000016.9:g.(?_1822222)_(2550959_?)dup

Genes: ABCA3 (ATP binding cassette subfamily A member 3; minus strand), BRICD5 (BRICHOS domain containing 5; minus strand), CASKIN1 (CASK interacting protein 1; minus strand), CCNF (cyclin F; plus strand), DNASE1L2 (deoxyribonuclease 1 like 2; plus strand) and 36 more. Cytogenetic location: 16p13.3.
Variant type: Duplication.
Identifiers: ClinVar variation 3243525 (VCV003243525.1).